The following is an entry in ClinVar:

NM_016188.5(ACTL6B):c.389G>A (p.Arg130Gln)

Gene: ACTL6B (actin like 6B; minus strand). Cytogenetic location: 7q22.1.
Variant type: single nucleotide variant.
Coding change: c.389G>A on transcript NM_016188.5 (MANE Select); coding-DNA position 389, G replaced by A.
Protein change: p.Arg130Gln; replaces arginine 130 with glutamine.
Molecular consequence: missense variant. On other transcripts: non-coding transcript variant (1).
Genome position (GRCh38, 1-based): chr7:100,650,116, C>T on the plus strand (G>A on the coding strand, the complement: ACTL6B is on the minus strand). VCF-style: chr7-100650116-C-T. GRCh37 (hg19) VCF-style: chr7-100247739-C-T.
Other names: short protein forms R130Q.
Identifiers: ClinVar variation 692139 (VCV000692139.3), dbSNP rs757603505, ClinGen allele CA4387272.
Genomic context (GRCh38, chr7:100,650,116, plus strand): 5'-TTGCATAAGAAGAAGGCAGGAATGTTGTACTGCTCGAACATCAGCTCTGTCAGCTTCTCC[C>T]GCTTGGCCCGTGTGTTCCACTGTGGAGAAAGTGCAGAGGGGGAGGATTCAGGAAGGGAGA-3'
Protein context (NP_057272.1, residues 120-140): SEAPWNTRAK[Arg130Gln]EKLTELMFEQ

ClinVar aggregate classification (germline): Uncertain significance. Review status: criteria provided, single submitter (1 of 4 stars). 2 submissions from 2 submitters: Uncertain significance (1). 1 of the submissions does not count toward it. Last evaluated 2019-07-28.

Conditions:
ACTL6B-related recessive epilepsy.
Developmental and epileptic encephalopathy, 76. Also called: EPILEPTIC ENCEPHALOPATHY, EARLY INFANTILE, 76; DEVELOPMENTAL DELAY, EPILEPTIC ENCEPHALOPATHY, CEREBRAL ATROPHY, AND ABNORMAL MYELINATION. Identifiers: MedGen C5193113, MONDO:0032768, OMIM 618468.

Allele frequency attached by ClinVar (database versions not stated): ExAC 0.00002; gnomAD exomes 0.00001.
gnomAD v4.1: 2 of 1,613,872 alleles (0.00012%); highest among the groups gnomAD compares: South Asian, 0.0011%; no homozygotes.

Submissions (2):

SIB Swiss Institute of Bioinformatics
Classification: Uncertain significance for Developmental and epileptic encephalopathy, 76. Last evaluated: 2019-07-28. Review status: criteria provided, single submitter. Criteria: ACMG Guidelines, 2015. Collection method: curation. Allele origin: unknown.
Comment: This variant is interpreted as a variant of uncertain significance for Epileptic encephalopathy, early infantile, 76, autosomal recessive. The following ACMG Tag(s) were applied: PM2, PP3, PM3.

CHU Sainte-Justine Research Center, University of Montreal
Classification: Likely pathogenic for ACTL6B-related recessive epilepsy. Last evaluated: 2019-03-01. Review status: no assertion criteria provided. Collection method: research. Allele origin: germline. Affected: yes. Not counted in ClinVar's aggregate classification.

Literature cited by the submitters: PubMed 31031012 (cited by SIB Swiss Institute of Bioinformatics).